The following is an entry in ClinVar:

NM_000431.4(MVK):c.361C>T (p.Arg121Trp)

Gene: MVK (mevalonate kinase; plus strand). Cytogenetic location: 12q24.11.
Variant type: single nucleotide variant.
Coding change: c.361C>T on transcript NM_000431.4 (MANE Select); coding-DNA position 361, C replaced by T.
Protein change: p.Arg121Trp; replaces arginine 121 with tryptophan.
Molecular consequence: missense variant.
Genome position (GRCh38, 1-based): chr12:109,579,936, C>T. VCF-style: chr12-109579936-C-T. GRCh37 (hg19) VCF-style: chr12-110017741-C-T.
Other names: p.Arg121Trp; c.361C>T, p.Arg121Trp (NM_001114185.3, NM_001301182.2); short protein forms R121W.
Identifiers: ClinVar variation 837299 (VCV000837299.15), dbSNP rs368026034, ClinGen allele CA6779225.

ClinVar aggregate classification (germline): Uncertain significance. Review status: criteria provided, multiple submitters, no conflicts (2 of 4 stars). 5 submissions from 5 submitters: Uncertain significance (5). Last evaluated 2024-10-09.

Conditions:
Autoinflammatory syndrome. Identifiers: Orphanet 93665, MedGen C3890737, MONDO:0019751.
Porokeratosis 3, disseminated superficial actinic type (POROK3). Also called: POROKERATOSIS 3, MULTIPLE TYPES; POROKERATOSIS 3, MIBELLI TYPE; POROKERATOSIS, DISSEMINATED SUPERFICIAL ACTINIC, 1. Identifiers: MedGen C1867981, MONDO:0008293, OMIM 175900.
Hyperimmunoglobulin D with periodic fever (HIDS). Also called: Hyperimmunoglobulinemia D with periodic fever; HYPERIMMUNOGLOBULINEMIA D AND PERIODIC FEVER SYNDROME; Hyperimmunoglobulinemia D. Identifiers: Orphanet 343, MedGen C0398691, MONDO:0009849, OMIM 260920.
Mevalonic aciduria (MEVA). Identifiers: Orphanet 29, MedGen C1959626, MONDO:0012481, OMIM 610377.

Allele frequency attached by ClinVar (database versions not stated): ESP Exome Variant Server 0.00008; gnomAD 0.00009 and 0.00007; TOPMed 0.00009; gnomAD exomes 0.00004 and 0.00002; ExAC 0.00006.
gnomAD v4.1: 33 of 1,614,064 alleles (0.002%); highest among the groups gnomAD compares: African/African-American, 0.031%; no homozygotes.

Submissions (5):

Labcorp Genetics (formerly Invitae), Labcorp
Classification: Uncertain significance for Mevalonic aciduria; Hyperimmunoglobulin D with periodic fever; Porokeratosis 3, disseminated superficial actinic type. Last evaluated: 2024-10-09. Review status: criteria provided, single submitter. Criteria: Invitae Variant Classification Sherloc (09022015). Collection method: clinical testing. Allele origin: germline.
Comment: This sequence change replaces arginine, which is basic and polar, with tryptophan, which is neutral and slightly polar, at codon 121 of the MVK protein (p.Arg121Trp). This variant is present in population databases (rs368026034, gnomAD 0.05%). This variant has not been reported in the literature in individuals affected with MVK-related conditions. ClinVar contains an entry for this variant (Variation ID: 837299). Invitae Evidence Modeling of protein sequence and biophysical properties (such as structural, functional, and spatial information, amino acid conservation, physicochemical variation, residue mobility, and thermodynamic stability) has been performed for this missense variant. However, the output from this modeling did not meet the statistical confidence thresholds required to predict the impact of this variant on MVK protein function. In summary, the available evidence is currently insufficient to determine the role of this variant in disease. Therefore, it has been classified as a Variant of Uncertain Significance.

Mayo Clinic Laboratories, Mayo Clinic
Classification: Uncertain significance. Last evaluated: 2022-08-03. Review status: criteria provided, single submitter. Criteria: ACMG Guidelines, 2015. Collection method: clinical testing. Allele origin: germline. Observed: 1 variant allele.

GeneDx
Classification: Uncertain significance. Last evaluated: 2022-02-08. Review status: criteria provided, single submitter. Criteria: GeneDx Variant Classification Process June 2021. Collection method: clinical testing. Allele origin: germline. Affected: yes.
Comment: Observed in a patient with recurrent fevers in published literature (Ginsberg S et al., 2016); In silico analysis supports that this missense variant has a deleterious effect on protein structure/function; This variant is associated with the following publications: (PMID: 27612399)

Fulgent Genetics
Classification: Uncertain significance for Porokeratosis 3, disseminated superficial actinic type; Hyperimmunoglobulin D with periodic fever; Mevalonic aciduria. Last evaluated: 2021-09-13. Review status: criteria provided, single submitter. Criteria: ACMG Guidelines, 2015. Collection method: clinical testing. Allele origin: unknown.

Genome Diagnostics Laboratory, The Hospital for Sick Children
Classification: Uncertain significance for Autoinflammatory syndrome. Last evaluated: 2016-12-12. Review status: criteria provided, single submitter. Criteria: ACMG Guidelines, 2015. Collection method: clinical testing. Allele origin: germline. Affected: yes.

Literature cited by the submitters: PubMed 27612399 (cited by Mayo Clinic Laboratories, Mayo Clinic).